The following is an entry in ClinVar:

NM_025114.4(CEP290):c.672T>G (p.Thr224=)

Gene: CEP290 (centrosomal protein 290; minus strand). Cytogenetic location: 12q21.32.
Variant type: single nucleotide variant.
Coding change: c.672T>G on transcript NM_025114.4 (MANE Select); coding-DNA position 672, T replaced by G.
Protein change: p.Thr224=; no amino-acid change (threonine 224 retained).
Molecular consequence: synonymous variant.
Genome position (GRCh38, 1-based): chr12:88,129,874, A>C on the plus strand (T>G on the coding strand, the complement: CEP290 is on the minus strand). VCF-style: chr12-88129874-A-C. GRCh37 (hg19) VCF-style: chr12-88523651-A-C.
Identifiers: ClinVar variation 3353771 (VCV003353771.1).

ClinVar aggregate classification (germline): Likely benign (0 of 4 stars; one submission).

Conditions:
CEP290-related disorder. Also called: CEP290-related condition; CEP290-related disorders. Identifiers: MedGen CN239314.

gnomAD v4.1: 2 of 1,432,752 alleles (0.00014%); highest among the groups gnomAD compares: Non-Finnish European, 0.00018%; no homozygotes.

Submission:

PreventionGenetics, part of Exact Sciences
Classification: Likely benign for CEP290-related condition. Last evaluated: 2022-06-28. Review status: no assertion criteria provided. Collection method: clinical testing. Allele origin: germline.
Comment: This variant is classified as likely benign based on ACMG/AMP sequence variant interpretation guidelines (Richards et al. 2015 PMID: 25741868, with internal and published modifications).